The following is an entry in ClinVar:

NM_182961.4(SYNE1):c.7351-234G>A

Gene: SYNE1 (spectrin repeat containing nuclear envelope protein 1; minus strand). Cytogenetic location: 6q25.2.
Variant type: single nucleotide variant.
Coding change: c.7351-234G>A on transcript NM_182961.4 (MANE Select); 234 bases into the intron before coding-DNA position 7351, G replaced by A.
Molecular consequence: intron variant.
Genome position (GRCh38, 1-based): chr6:152,397,214, C>T on the plus strand (G>A on the coding strand, the complement: SYNE1 is on the minus strand). VCF-style: chr6-152397214-C-T. GRCh37 (hg19) VCF-style: chr6-152718349-C-T.
Other names: c.7372-234G>A (NM_033071.5).
Identifiers: ClinVar variation 670668 (VCV000670668.1), dbSNP rs9322371, ClinGen allele CA12338500.

ClinVar aggregate classification (germline): Benign (1 of 4 stars; one submission).

Allele frequency attached by ClinVar (database versions not stated): gnomAD 0.14468 and 0.14691; TOPMed 0.14497; 1000 Genomes Project 0.18391; 1000 Genomes Project 30x 0.18520.
gnomAD v4.1: 22,359 of 152,034 alleles (15%); highest among the groups gnomAD compares: East Asian, 35%; 1,776 homozygotes.

Submission:

GeneDx
Classification: Benign. Last evaluated: 2018-06-14. Review status: criteria provided, single submitter. Criteria: GeneDx Variant Classification (06012015). Collection method: clinical testing. Allele origin: germline. Affected: yes.
Comment: This variant is considered likely benign or benign based on one or more of the following criteria: it is a conservative change, it occurs at a poorly conserved position in the protein, it is predicted to be benign by multiple in silico algorithms, and/or has population frequency not consistent with disease.